The following is an entry in ClinVar:

ClinVar aggregate classification (germline): Uncertain significance (1 of 4 stars; one submission).

Conditions:
GNAS-related disorder. Identifiers: MedGen CN380105.

gnomAD v4.1: 4 of 1,611,576 alleles (0.00025%); highest among the groups gnomAD compares: Middle Eastern, 0.016%; no homozygotes.

Submission:

PreventionGenetics, part of Exact Sciences
Classification: Uncertain significance for GNAS-related condition. Last evaluated: 2025-12-10. Review status: criteria provided, single submitter. Criteria: ACMG Guidelines, 2015. Collection method: clinical testing. Allele origin: germline.
Comment: The GNAS c.560C>T variant is predicted to result in the amino acid substitution p.Ser187Leu. To our knowledge, this variant has not been reported in the literature. This variant has been reported in 1 heterozygous individual within the 'other' subpopulation in gnomAD. At this time, the clinical significance of this variant is uncertain due to the absence of conclusive functional and genetic evidence.

NM_080425.4(GNAS):c.747C>T (p.Val249=)

Gene: GNAS (GNAS complex locus; plus strand). Cytogenetic location: 20q13.32.
Variant type: single nucleotide variant.
Coding change: c.747C>T on transcript NM_080425.4 (MANE Plus Clinical); coding-DNA position 747, C replaced by T.
Protein change: p.Val249=; no amino-acid change (valine 249 retained).
Molecular consequence: synonymous variant. On other transcripts: missense variant (2), intron variant (3).
Genome position (GRCh38, 1-based): chr20:58,854,012, C>T. VCF-style: chr20-58854012-C-T. GRCh37 (hg19) VCF-style: chr20-57429067-C-T.
Other names: c.560C>T, p.Ser187Leu (NM_001077490.3, NM_001309883.1); c.747C>T, p.Val249= (NM_001410913.1); c.*42+13126C>T (NM_016592.5); c.43+13126C>T (NM_001410912.1); c.-39+12137C>T (NM_001309861.2); short protein forms S187L.
Identifiers: ClinVar variation 4981970 (VCV004981970.1).